The following is an entry in ClinVar:

ClinVar aggregate classification (germline): Uncertain significance (1 of 4 stars; one submission).

Submission:

Labcorp Genetics (formerly Invitae), Labcorp
Classification: Uncertain significance. Last evaluated: 2023-08-04. Review status: criteria provided, single submitter. Criteria: Invitae Variant Classification Sherloc (09022015). Collection method: clinical testing. Allele origin: germline.
Comment: Algorithms developed to predict the effect of missense changes on protein structure and function output the following: SIFT: "Not Available"; PolyPhen-2: "Benign"; Align-GVGD: "Not Available". The valine amino acid residue is found in multiple mammalian species, which suggests that this missense change does not adversely affect protein function. In summary, the available evidence is currently insufficient to determine the role of this variant in disease. Therefore, it has been classified as a Variant of Uncertain Significance. ClinVar contains an entry for this variant (Variation ID: 1974640). This variant has not been reported in the literature in individuals affected with HSPG2-related conditions. This variant is not present in population databases (gnomAD no frequency). This sequence change replaces methionine, which is neutral and non-polar, with valine, which is neutral and non-polar, at codon 4069 of the HSPG2 protein (p.Met4069Val).

NM_005529.7(HSPG2):c.12205A>G (p.Met4069Val)

Gene: HSPG2 (heparan sulfate proteoglycan 2; minus strand). Cytogenetic location: 1p36.12.
Variant type: single nucleotide variant.
Coding change: c.12205A>G on transcript NM_005529.7 (MANE Select); coding-DNA position 12205, A replaced by G.
Protein change: p.Met4069Val; replaces methionine 4069 with valine.
Molecular consequence: missense variant.
Genome position (GRCh38, 1-based): chr1:21,828,867, T>C on the plus strand (A>G on the coding strand, the complement: HSPG2 is on the minus strand). VCF-style: chr1-21828867-T-C. GRCh37 (hg19) VCF-style: chr1-22155360-T-C.
Other names: c.12208A>G, p.Met4070Val (NM_001291860.2); short protein forms M4069V, M4070V.
Identifiers: ClinVar variation 1974640 (VCV001974640.5), dbSNP rs2097988960, ClinGen allele CA338900977.